The following is an entry in ClinVar:

NM_001113378.2(FANCI):c.2804-1G>C

Gene: FANCI (FA complementation group I; plus strand). Cytogenetic location: 15q26.1.
Variant type: single nucleotide variant.
Coding change: c.2804-1G>C on transcript NM_001113378.2 (MANE Select); the canonical splice acceptor site of the intron before coding-DNA position 2804, G replaced by C.
Molecular consequence: splice acceptor variant.
Genome position (GRCh38, 1-based): chr15:89,300,299, G>C. VCF-style: chr15-89300299-G-C. GRCh37 (hg19) VCF-style: chr15-89843530-G-C.
Other names: c.2624-1G>C (NM_018193.3); c.2804-1G>C (NM_001376911.1); c.2525-1G>C (NM_001376910.1).
Identifiers: ClinVar variation 1348859 (VCV001348859.6), dbSNP rs2054480330, ClinGen allele CA393737233.

ClinVar aggregate classification (germline): Likely pathogenic (1 of 4 stars; one submission).

Conditions:
Fanconi anemia (FA). Also called: Fanconi's anemia. Identifiers: Orphanet 84, MedGen C0015625, MeSH D005199, MONDO:0019391.

Allele frequency attached by ClinVar (database versions not stated): gnomAD exomes below 0.00001.
gnomAD v4.1: 1 of 1,612,706 alleles (0.000062%); highest among the groups gnomAD compares: Non-Finnish European, 0.000085%; no homozygotes.

Submission:

Labcorp Genetics (formerly Invitae), Labcorp
Classification: Likely pathogenic for Fanconi anemia. Last evaluated: 2021-10-31. Review status: criteria provided, single submitter. Criteria: Invitae Variant Classification Sherloc (09022015). Collection method: clinical testing. Allele origin: germline.
Comment: This sequence change affects an acceptor splice site in intron 25 of the FANCI gene. It is expected to disrupt RNA splicing. Variants that disrupt the donor or acceptor splice site typically lead to a loss of protein function (PMID: 16199547), and loss-of-function variants in FANCI are known to be pathogenic (PMID: 17452773, 17460694). This variant is not present in population databases (gnomAD no frequency). This variant has not been reported in the literature in individuals affected with FANCI-related conditions. Algorithms developed to predict the effect of sequence changes on RNA splicing suggest that this variant may disrupt the consensus splice site. In summary, the currently available evidence indicates that the variant is pathogenic, but additional data are needed to prove that conclusively. Therefore, this variant has been classified as Likely Pathogenic.

Literature cited by the submitters: PubMed 16199547; PubMed 17452773; PubMed 17460694.